The following is an entry in ClinVar:

ClinVar aggregate classification (germline): Uncertain significance. Review status: criteria provided, multiple submitters, no conflicts (2 of 4 stars). 3 submissions from 3 submitters: Uncertain significance (3). Last evaluated 2024-10-20.

Conditions:
LOXHD1-related disorder. Also called: LOXHD1-related condition.

Allele frequency attached by ClinVar (database versions not stated): ExAC 0.00009.

Submissions (3):

PreventionGenetics, part of Exact Sciences
Classification: Uncertain significance for LOXHD1-related condition. Last evaluated: 2024-10-20. Review status: criteria provided, single submitter. Criteria: ACMG Guidelines, 2015. Collection method: clinical testing. Allele origin: germline.
Comment: The LOXHD1 c.4871G>C variant is predicted to result in the amino acid substitution p.Gly1624Ala. To our knowledge, this variant has not been reported in the literature. This variant is reported in 0.035% of alleles in individuals of South Asian descent in gnomAD. At this time, the clinical significance of this variant is uncertain due to the absence of conclusive functional and genetic evidence.

Blueprint Genetics
Classification: Uncertain significance. Last evaluated: 2024-10-18. Review status: criteria provided, single submitter. Criteria: ACMG Guidelines, 2015. Collection method: clinical testing. Allele origin: germline.

Labcorp Genetics (formerly Invitae), Labcorp
Classification: Uncertain significance. Last evaluated: 2022-02-10. Review status: criteria provided, single submitter. Criteria: Invitae Variant Classification Sherloc (09022015). Collection method: clinical testing. Allele origin: germline.
Comment: This sequence change replaces glycine, which is neutral and non-polar, with alanine, which is neutral and non-polar, at codon 1624 of the LOXHD1 protein (p.Gly1624Ala). This variant is present in population databases (rs757775256, gnomAD 0.04%). This variant has not been reported in the literature in individuals affected with LOXHD1-related conditions. Algorithms developed to predict the effect of missense changes on protein structure and function are either unavailable or do not agree on the potential impact of this missense change (SIFT: "Deleterious"; PolyPhen-2: "Possibly Damaging"; Align-GVGD: "Class C0"). In summary, the available evidence is currently insufficient to determine the role of this variant in disease. Therefore, it has been classified as a Variant of Uncertain Significance.

NM_001384474.1(LOXHD1):c.4871G>C (p.Gly1624Ala)

Gene: LOXHD1 (lipoxygenase homology PLAT domains 1; minus strand). Cytogenetic location: 18q21.1.
Variant type: single nucleotide variant.
Coding change: c.4871G>C on transcript NM_001384474.1 (MANE Select); coding-DNA position 4871, G replaced by C.
Protein change: p.Gly1624Ala; replaces glycine 1624 with alanine.
Molecular consequence: missense variant.
Genome position (GRCh38, 1-based): chr18:46,524,471, C>G on the plus strand (G>C on the coding strand, the complement: LOXHD1 is on the minus strand). VCF-style: chr18-46524471-C-G. GRCh37 (hg19) VCF-style: chr18-44104434-C-G.
Other names: c.1538G>C, p.Gly513Ala (NM_001145472.3); c.1250G>C, p.Gly417Ala (NM_001308013.2); c.4871G>C, p.Gly1624Ala (NM_144612.7); c.4871G>C (NM_144612.6); short protein forms G513A, G417A, G1624A.
Identifiers: ClinVar variation 2079527 (VCV002079527.3), dbSNP rs757775256, ClinGen allele CA8952287.